The following is an entry in ClinVar:

NM_152564.5(VPS13B):c.5953T>G (p.Trp1985Gly)

Gene: VPS13B (vacuolar protein sorting 13 homolog B; plus strand). Cytogenetic location: 8q22.2.
Variant type: single nucleotide variant.
Coding change: c.5953T>G on transcript NM_152564.5 (MANE Select); coding-DNA position 5953, T replaced by G.
Protein change: p.Trp1985Gly; replaces tryptophan 1985 with glycine.
Molecular consequence: missense variant.
Genome position (GRCh38, 1-based): chr8:99,661,398, T>G. VCF-style: chr8-99661398-T-G. GRCh37 (hg19) VCF-style: chr8-100673626-T-G.
Other names: c.6028T>G, p.Trp2010Gly (NM_017890.5); short protein forms W2010G, W1985G.
Identifiers: ClinVar variation 1521140 (VCV001521140.6), dbSNP rs2129763705, ClinGen allele CA371868843.
Genomic context (GRCh38, chr8:99,661,398, plus strand): 5'-AATTTTGTCACTTTAGATCCTGGGAAGACTCTGCCTGAAGCCCTTGATTATTGCACTGTT[T>G]GGCTACAGACAGTGCCTGGAGAAATAGACAGCAAAAGTGGTATTCCACCTTCCTTTATAA-3'
Protein context (NP_689777.3, residues 1975-1995): LPEALDYCTV[Trp1985Gly]LQTVPGEIDS

ClinVar aggregate classification (germline): Uncertain significance (1 of 4 stars; one submission).

Conditions:
Cohen syndrome (COH1). Also called: PEPPER SYNDROME; Cutis verticis gyrata, retinitis pigmentosa, and sensorineural deafness. Identifiers: Orphanet 193, MedGen C0265223, MONDO:0008999, OMIM 216550.

gnomAD v4.1: 1 of 1,613,826 alleles (0.000062%); highest among the groups gnomAD compares: Non-Finnish European, 0.000085%; no homozygotes.

Submission:

Labcorp Genetics (formerly Invitae), Labcorp
Classification: Uncertain significance for Cohen syndrome. Last evaluated: 2021-03-29. Review status: criteria provided, single submitter. Criteria: Invitae Variant Classification Sherloc (09022015). Collection method: clinical testing. Allele origin: germline.
Comment: This sequence change replaces tryptophan with glycine at codon 2010 of the VPS13B protein (p.Trp2010Gly). The tryptophan residue is moderately conserved and there is a large physicochemical difference between tryptophan and glycine. In summary, the available evidence is currently insufficient to determine the role of this variant in disease. Therefore, it has been classified as a Variant of Uncertain Significance. Algorithms developed to predict the effect of missense changes on protein structure and function are either unavailable or do not agree on the potential impact of this missense change (SIFT: "Not Available"; PolyPhen-2: "Possibly Damaging"; Align-GVGD: "Not Available"). This variant has not been reported in the literature in individuals with VPS13B-related conditions. This variant is not present in population databases (ExAC no frequency).